The following is an entry in ClinVar:

ClinVar aggregate classification (germline): Likely pathogenic (1 of 4 stars; one submission).

Conditions:
Cerebral cavernous malformation (CCM). Also called: CAVERNOUS ANGIOMA, FAMILIAL; CAVERNOUS ANGIOMATOUS MALFORMATIONS; CEREBRAL CAPILLARY MALFORMATIONS; Cerebral cavernous malformations; Cavernous Hemangioma of Brain; Cerebral cavernous hemangioma (type). Identifiers: Orphanet 221061, MedGen C2919945, MONDO:0000820, OMIM 116860, HP:0033522.

Submission:

Labcorp Genetics (formerly Invitae), Labcorp
Classification: Likely pathogenic for Cerebral cavernous malformation. Last evaluated: 2017-04-06. Review status: criteria provided, single submitter. Criteria: Invitae Variant Classification Sherloc (09022015). Collection method: clinical testing. Allele origin: germline.
Comment: This variant is a gross duplication of the genomic region encompassing exons 7-9 of the KRIT1 gene. While the exact position of the duplicated exons cannot be determined from this data, the duplicated copy of this region is likely in tandem and may result in an absent or disrupted protein product. This variant ¬†has not been reported in the literature in individuals with a KRIT1-related disease. In summary, sub-genic duplications are generally in tandem (PMID: 25640679), and result in an absent or disrupted protein. However, the exact location of this duplication has not been confirmed. Therefore, it has been classified as Likely Pathogenic.

Literature cited by the submitters: PubMed 25640679.

NC_000007.13:g.(?_91864697)_(91867093_?)dup

Gene: KRIT1 (KRIT1 ankyrin repeat containing; minus strand). Cytogenetic location: 7q21.2.
Variant type: Duplication.
Identifiers: ClinVar variation 468202 (VCV000468202.8).